The following is an entry in ClinVar:

ClinVar aggregate classification (germline): Uncertain significance. Review status: criteria provided, multiple submitters, no conflicts (2 of 4 stars). 2 submissions from 2 submitters: Uncertain significance (2). Last evaluated 2023-11-21.

Conditions:
Mucopolysaccharidosis type 1. Also called: IDUA deficiency; MPS I. Identifiers: Orphanet 579, MedGen C0023786, MONDO:0001586.

Submissions (2):

Labcorp Genetics (formerly Invitae), Labcorp
Classification: Uncertain significance for Mucopolysaccharidosis type 1. Last evaluated: 2023-11-21. Review status: criteria provided, single submitter. Criteria: Invitae Variant Classification Sherloc (09022015). Collection method: clinical testing. Allele origin: germline.
Comment: This variant, c.1042_1062dup, results in the insertion of 7 amino acid(s) of the IDUA protein (p.Asn348_Ser354dup), but otherwise preserves the integrity of the reading frame. This variant is present in population databases (no rsID available, gnomAD 0.01%). This variant has not been reported in the literature in individuals affected with IDUA-related conditions. ClinVar contains an entry for this variant (Variation ID: 2432708). Experimental studies and prediction algorithms are not available or were not evaluated, and the functional significance of this variant is currently unknown. In summary, the available evidence is currently insufficient to determine the role of this variant in disease. Therefore, it has been classified as a Variant of Uncertain Significance.

Revvity Omics, Revvity
Classification: Uncertain significance. Last evaluated: 2022-05-04. Review status: criteria provided, single submitter. Criteria: ACMG Guidelines, 2015. Collection method: clinical testing. Allele origin: germline.

NM_000203.5(IDUA):c.1042_1062dup (p.Ser354_Tyr355insAsnAspAsnAlaPheLeuSer)

Gene: IDUA (alpha-L-iduronidase; plus strand). Cytogenetic location: 4p16.3.
Variant type: Duplication.
Coding change: c.1042_1062dup on transcript NM_000203.5 (MANE Select); coding-DNA positions 1042 to 1062, 21 bases duplicated (AACGACAATGCCTTCCTGAGC).
Protein change: p.Ser354_Tyr355insAsnAspAsnAlaPheLeuSer.
Molecular consequence: inframe insertion. On other transcripts: non-coding transcript variant (1).
Genome position (GRCh38, 1-based): chr4:1,002,338-1,002,358, AACGACAATGCCTTCCTGAGC duplicated; duplicating any 21 consecutive bases within chr4:1,002,330-1,002,358 gives the same sequence; the c. name uses the placement nearest the transcript's 3' end. VCF-style (leftmost placement, unchanged base first): chr4-1002329-C-CTCCTGAGCAACGACAATGCCT. GRCh37 (hg19) VCF-style: chr4-996117-C-CTCCTGAGCAACGACAATGCCT.
Other names: c.646_666dup, p.Ser222_Tyr223insAsnAspAsnAlaPheLeuSer (NM_001363576.1).
Identifiers: ClinVar variation 2432708 (VCV002432708.4), dbSNP rs1378699648, ClinGen allele CA549264534.
Genomic context (GRCh38, chr4:1,002,329, plus strand): 5'-GTCATCGCGCAGCATCAGAACCTGCTACTGGCCAACACCACCTCCGCCTTCCCCTACGCG[C>CTCCTGAGCAACGACAATGCCT]TCCTGAGCAACGACAATGCCTTCCTGAGCTACCACCCGCACCCCTTCGCGCAGCGCACGC-3'